The following is an entry in ClinVar:

ClinVar aggregate classification (germline): Uncertain significance. Review status: criteria provided, multiple submitters, no conflicts (2 of 4 stars). 2 submissions from 2 submitters: Uncertain significance (2). Last evaluated 2021-11-26.

Conditions:
Inborn genetic diseases. Identifiers: MedGen C0950123, MeSH D030342.
Ullrich congenital muscular dystrophy 2 (UCMD2). Identifiers: Orphanet 75840, MedGen C4225314, MONDO:0014654, OMIM 616470.
Bethlem myopathy 2 (BTHLM2). Identifiers: Orphanet 536516, Orphanet 610, MedGen C4225313, MONDO:0034022, OMIM 616471.

Allele frequency attached by ClinVar (database versions not stated): TOPMed 0.00001.

Submissions (2):

Labcorp Genetics (formerly Invitae), Labcorp
Classification: Uncertain significance for Bethlem myopathy 2; Ullrich congenital muscular dystrophy 2. Last evaluated: 2021-11-26. Review status: criteria provided, single submitter. Criteria: Invitae Variant Classification Sherloc (09022015). Collection method: clinical testing. Allele origin: germline.
Comment: This sequence change replaces valine, which is neutral and non-polar, with methionine, which is neutral and non-polar, at codon 541 of the COL12A1 protein (p.Val541Met). In summary, the available evidence is currently insufficient to determine the role of this variant in disease. Therefore, it has been classified as a Variant of Uncertain Significance. Algorithms developed to predict the effect of missense changes on protein structure and function are either unavailable or do not agree on the potential impact of this missense change (SIFT: "Deleterious"; PolyPhen-2: "Probably Damaging"; Align-GVGD: "Class C0"). This variant has not been reported in the literature in individuals affected with COL12A1-related conditions. This variant is not present in population databases (gnomAD no frequency).

Ambry Genetics
Classification: Uncertain significance for Inborn genetic diseases. Last evaluated: 2021-08-02. Review status: criteria provided, single submitter. Criteria: Ambry Variant Classification Scheme 2023. Collection method: clinical testing. Allele origin: germline.

NM_004370.6(COL12A1):c.1621G>A (p.Val541Met)

Gene: COL12A1 (collagen type XII alpha 1 chain; minus strand). Cytogenetic location: 6q13.
Variant type: single nucleotide variant.
Coding change: c.1621G>A on transcript NM_004370.6 (MANE Select); coding-DNA position 1621, G replaced by A.
Protein change: p.Val541Met; replaces valine 541 with methionine.
Molecular consequence: missense variant. On other transcripts: intron variant (1).
Genome position (GRCh38, 1-based): chr6:75,183,320, C>T on the plus strand (G>A on the coding strand, the complement: COL12A1 is on the minus strand). VCF-style: chr6-75183320-C-T. GRCh37 (hg19) VCF-style: chr6-75893036-C-T.
Other names: c.73+19400G>A (NM_080645.3); c.1621G>A (NM_004370.5); short protein forms V541M.
Identifiers: ClinVar variation 1511905 (VCV001511905.7), dbSNP rs1769421436, ClinGen allele CA364769384.